The following is an entry in ClinVar:

NM_002905.5(RDH5):c.213G>T (p.Val71=)

Genes: BLOC1S1-RDH5 (BLOC1S1-RDH5 readthrough; plus strand), RDH5 (retinol dehydrogenase 5; plus strand). Cytogenetic location: 12q13.2.
Variant type: single nucleotide variant.
Coding change: c.213G>T on transcript NM_002905.5 (MANE Select); coding-DNA position 213, G replaced by T.
Protein change: p.Val71=; no amino-acid change (valine 71 retained).
Molecular consequence: synonymous variant.
Genome position (GRCh38, 1-based): chr12:55,721,397, G>T. VCF-style: chr12-55721397-G-T. GRCh37 (hg19) VCF-style: chr12-56115181-G-T.
Other names: c.213G>T, p.Val71= (NM_001199771.3).
Identifiers: ClinVar variation 3250637 (VCV003250637.18), dbSNP rs2540002816.
Genomic context (GRCh38, chr12:55,721,397, plus strand): 5'-AGGCTTCCGAGTCCTGGCCAGCTGCCTGACCCCCTCCGGGGCCGAGGACCTGCAGCGGGT[G>T]GCCTCCTCCCGCCTCCACACCACCCTGTTGGATATCACTGATCCCCAGAGCGTCCAGCAG-3'
Protein context (NP_002896.2, residues 61-81): TPSGAEDLQR[Val71=]ASSRLHTTLL

ClinVar aggregate classification (germline): Likely benign (1 of 4 stars; one submission).

Allele frequency attached by ClinVar (database versions not stated): gnomAD exomes below 0.00001.
gnomAD v4.1: 5 of 1,613,844 alleles (0.00031%); highest among the groups gnomAD compares: South Asian, 0.0011%; no homozygotes.

Submission:

CeGaT Center for Human Genetics Tuebingen
Classification: Likely benign. Last evaluated: 2024-06-01. Review status: criteria provided, single submitter. Criteria: CeGaT Center For Human Genetics Tuebingen Variant Classification Criteria Version 2. Collection method: clinical testing. Allele origin: germline. Affected: yes. Observed: 1 variant allele.
Comment: RDH5: PM2:Supporting, BP4, BP7